The following is an entry in ClinVar:

NM_000428.3(LTBP2):c.5129A>G (p.Gln1710Arg)

Gene: LTBP2 (latent transforming growth factor beta binding protein 2; minus strand). Cytogenetic location: 14q24.3.
Variant type: single nucleotide variant.
Coding change: c.5129A>G on transcript NM_000428.3 (MANE Select); coding-DNA position 5129, A replaced by G.
Protein change: p.Gln1710Arg; replaces glutamine 1710 with arginine.
Molecular consequence: missense variant.
Genome position (GRCh38, 1-based): chr14:74,502,694, T>C on the plus strand (A>G on the coding strand, the complement: LTBP2 is on the minus strand). VCF-style: chr14-74502694-T-C. GRCh37 (hg19) VCF-style: chr14-74969397-T-C.
Other names: c.5129A>G (NM_000428.2); short protein forms Q1710R.
Identifiers: ClinVar variation 2182107 (VCV002182107.4), dbSNP rs765133859, ClinGen allele CA7268524.
Genomic context (GRCh38, chr14:74,502,694, plus strand): 5'-GTTTTGCAGCAACACAGACCTGGATGGCTGGCCACGTAGTGGGGCTGGAGTTCTGAGGGC[T>C]GCAAAGGAGACTCAAGGATGGGTGTGCGGTCCGCTGAGTGACCGGCTGTGTTGGGGAAGG-3'
Protein context (NP_000419.1, residues 1700-1720): DRTPILESPL[Gln1710Arg]PSELQPHYVA

ClinVar aggregate classification (germline): Uncertain significance. Review status: criteria provided, multiple submitters, no conflicts (2 of 4 stars). 2 submissions from 2 submitters: Uncertain significance (2). Last evaluated 2025-05-28.

Conditions:
Inborn genetic diseases. Identifiers: MedGen C0950123, MeSH D030342.

Allele frequency attached by ClinVar (database versions not stated): gnomAD exomes 0.00001; ExAC 0.00001; TOPMed 0.00002; gnomAD 0.00003.
gnomAD v4.1: 19 of 1,614,064 alleles (0.0012%); highest among the groups gnomAD compares: Non-Finnish European, 0.0016%; no homozygotes.

Submissions (2):

Ambry Genetics
Classification: Uncertain significance for Inborn genetic diseases. Last evaluated: 2025-05-28. Review status: criteria provided, single submitter. Criteria: Ambry Variant Classification Scheme 2023. Collection method: clinical testing. Allele origin: germline.

Labcorp Genetics (formerly Invitae), Labcorp
Classification: Uncertain significance. Last evaluated: 2024-07-24. Review status: criteria provided, single submitter. Criteria: Invitae Variant Classification Sherloc (09022015). Collection method: clinical testing. Allele origin: germline.
Comment: This sequence change replaces glutamine, which is neutral and polar, with arginine, which is basic and polar, at codon 1710 of the LTBP2 protein (p.Gln1710Arg). This variant is present in population databases (rs765133859, gnomAD 0.004%). This variant has not been reported in the literature in individuals affected with LTBP2-related conditions. ClinVar contains an entry for this variant (Variation ID: 2182107). An algorithm developed to predict the effect of missense changes on protein structure and function (PolyPhen-2) suggests that this variant¬†is likely to be tolerated. In summary, the available evidence is currently insufficient to determine the role of this variant in disease. Therefore, it has been classified as a Variant of Uncertain Significance.